The following is an entry in ClinVar:

NM_021008.4(DEAF1):c.672G>C (p.Arg224=)

Gene: DEAF1 (DEAF1 transcription factor; minus strand). Cytogenetic location: 11p15.5.
Variant type: single nucleotide variant.
Coding change: c.672G>C on transcript NM_021008.4 (MANE Select); coding-DNA position 672, G replaced by C.
Protein change: p.Arg224=; no amino-acid change (arginine 224 retained).
Molecular consequence: synonymous variant. On other transcripts: 5 prime UTR variant (4), intron variant (1).
Genome position (GRCh38, 1-based): chr11:686,990, C>G on the plus strand (G>C on the coding strand, the complement: DEAF1 is on the minus strand). VCF-style: chr11-686990-C-G. GRCh37 (hg19) VCF-style: chr11-686990-C-G.
Other names: c.-55G>C (NM_001367390.1, NM_001440885.1, NM_001440886.1 and 1 more transcripts); c.672G>C, p.Arg224= (NM_001440883.1, NM_001440884.1); c.664+921G>C (NM_001293634.2).
Identifiers: ClinVar variation 3905787 (VCV003905787.10).

ClinVar aggregate classification (germline): Likely benign (1 of 4 stars; one submission).

gnomAD v4.1: 1 of 1,614,158 alleles (0.000062%); no homozygotes.

Submission:

CeGaT Center for Human Genetics Tuebingen
Classification: Likely benign. Last evaluated: 2025-05-01. Review status: criteria provided, single submitter. Criteria: CeGaT Center For Human Genetics Tuebingen Variant Classification Criteria Version 2. Collection method: clinical testing. Allele origin: germline. Affected: yes. Observed: 1 variant allele.
Comment: DEAF1: BP4, BP7